The following is an entry in ClinVar:

NM_020975.6(RET):c.835G>A (p.Ala279Thr)

Gene: RET (ret proto-oncogene; plus strand). Cytogenetic location: 10q11.21.
Variant type: single nucleotide variant.
Coding change: c.835G>A on transcript NM_020975.6 (MANE Select); coding-DNA position 835, G replaced by A.
Protein change: p.Ala279Thr; replaces alanine 279 with threonine.
Molecular consequence: missense variant.
Genome position (GRCh38, 1-based): chr10:43,105,161, G>A. VCF-style: chr10-43105161-G-A. GRCh37 (hg19) VCF-style: chr10-43600609-G-A.
Other names: c.835G>A, p.Ala279Thr (NM_000323.2, NM_001406743.1, NM_001406744.1 and 8 more transcripts); c.73G>A, p.Ala25Thr (NM_001355216.2); c.706G>A, p.Ala236Thr (NM_001406761.1, NM_001406762.1, NM_001406764.1 and 2 more transcripts); c.547G>A, p.Ala183Thr (NM_001406766.1, NM_001406767.1, NM_001406770.1); short protein forms A279T, A25T, A183T, A236T.
Identifiers: ClinVar variation 405524 (VCV000405524.10), dbSNP rs777221273, ClinGen allele CA045090.

ClinVar aggregate classification (germline): Uncertain significance. Review status: criteria provided, multiple submitters, no conflicts (2 of 4 stars). 4 submissions from 4 submitters: Uncertain significance (3). 1 of the submissions does not count toward it. Last evaluated 2024-09-15.

Conditions:
Multiple endocrine neoplasia type 2A. Also called: MULTIPLE ENDOCRINE NEOPLASIA, TYPE IIA; PTC SYNDROME; SIPPLE SYNDROME; MEN 2A; MEN-2A syndrome; Pheochromocytoma and amyloid producing medullary thyroid carcinoma. Identifiers: Orphanet 247698, Orphanet 653, MedGen C0025268, MeSH D018813, MONDO:0008234, OMIM 171400.
Hereditary cancer-predisposing syndrome. Also called: Hereditary Cancer Syndrome; Hereditary neoplastic syndrome; Neoplastic Syndromes, Hereditary; Tumor predisposition. Identifiers: Orphanet 140162, MedGen C0027672, MeSH D009386, MONDO:0015356.
Multiple endocrine neoplasia, type 2 (MEN2). Identifiers: Orphanet 653, MedGen C4048306, MONDO:0019003. Disease mechanism: gain of function.

Allele frequency attached by ClinVar (database versions not stated): gnomAD exomes below 0.00001 and 0.00001; gnomAD 0.00001; ExAC 0.00002; TOPMed 0.00003.
gnomAD v4.1: 9 of 1,612,748 alleles (0.00056%); highest among the groups gnomAD compares: African/African-American, 0.0053%; no homozygotes.

Submissions (4):

Labcorp Genetics (formerly Invitae), Labcorp
Classification: Uncertain significance for Multiple endocrine neoplasia, type 2. Last evaluated: 2024-09-15. Review status: criteria provided, single submitter. Criteria: Invitae Variant Classification Sherloc (09022015). Collection method: clinical testing. Allele origin: germline.
Comment: This sequence change replaces alanine, which is neutral and non-polar, with threonine, which is neutral and polar, at codon 279 of the RET protein (p.Ala279Thr). This variant is present in population databases (rs777221273, gnomAD 0.007%). This variant has not been reported in the literature in individuals affected with RET-related conditions. ClinVar contains an entry for this variant (Variation ID: 405524). An algorithm developed to predict the effect of missense changes on protein structure and function (PolyPhen-2) suggests that this variant is likely to be tolerated. In summary, the available evidence is currently insufficient to determine the role of this variant in disease. Therefore, it has been classified as a Variant of Uncertain Significance.

All of Us Research Program, National Institutes of Health
Classification: Uncertain significance for Multiple endocrine neoplasia, type 2. Last evaluated: 2024-05-14. Review status: criteria provided, single submitter. Criteria: ACMG Guidelines, 2015. Collection method: clinical testing. Allele origin: germline. Inheritance: Autosomal dominant inheritance. Observed: 1 variant allele, 1 heterozygote.
Comment: This missense variant replaces alanine with threonine at codon 279 of the RET protein. Computational prediction suggests that this variant may not impact protein structure and function. To our knowledge, functional studies have not been reported for this variant. This variant has not been reported in individuals affected with RET-related disorders in the literature. This variant has been identified in 2/246210 chromosomes in the general population by the Genome Aggregation Database (gnomAD). The available evidence is insufficient to determine the role of this variant in disease conclusively. Therefore, this variant is classified as a Variant of Uncertain Significance.

This study involves interpretation of variants in research participants for the purpose of population health screening. Participant phenotype was not available at the time of variant classification. Additional details can be found in publication PMID: 35346344, PMCID: PMC8962531

Ambry Genetics
Classification: Uncertain significance for Hereditary cancer-predisposing syndrome. Last evaluated: 2024-04-11. Review status: criteria provided, single submitter. Criteria: Ambry Variant Classification Scheme 2023. Collection method: clinical testing. Allele origin: germline.
Comment: The p.A279T variant (also known as c.835G>A), located in coding exon 4 of the RET gene, results from a G to A substitution at nucleotide position 835. The alanine at codon 279 is replaced by threonine, an amino acid with similar properties. This amino acid position is well conserved in available vertebrate species. In addition, the in silico prediction for this alteration is inconclusive. Based on the available evidence, the clinical significance of this variant remains unclear.

Counsyl
Classification: Uncertain significance for Multiple endocrine neoplasia type 2A. Last evaluated: 2018-02-15. Review status: no assertion criteria provided. Collection method: clinical testing. Allele origin: unknown. Not counted in ClinVar's aggregate classification.